The following is an entry in ClinVar:

NM_001253697.2(ERBIN):c.1991T>C (p.Met664Thr)

Gene: ERBIN (erbb2 interacting protein; plus strand). Cytogenetic location: 5q12.3.
Variant type: single nucleotide variant.
Coding change: c.1991T>C on transcript NM_001253697.2 (MANE Select); coding-DNA position 1991, T replaced by C.
Protein change: p.Met664Thr; replaces methionine 664 with threonine.
Molecular consequence: missense variant.
Genome position (GRCh38, 1-based): chr5:66,050,870, T>C. VCF-style: chr5-66050870-T-C. GRCh37 (hg19) VCF-style: chr5-65346698-T-C.
Other names: c.1991T>C, p.Met664Thr (NM_001006600.3, NM_001253698.2, NM_001253699.2 and 1 more transcripts); c.1979T>C, p.Met660Thr (NM_001253701.2); short protein forms M660T, M664T.
Identifiers: ClinVar variation 4712360 (VCV004712360.1).
Genomic context (GRCh38, chr5:66,050,870, plus strand): 5'-CAGATGAAGTTACACACAATAGCAATCAGAATAACAGCAATTGTTCTTCTCCATCTCGGA[T>C]GTCTGATTCAGTTTCTCTTAATACTGATAGTAGTCAAGACACCTCACTCTGCTCTCCAGT-3'
Protein context (NP_001240626.1, residues 654-674): NNSNCSSPSR[Met664Thr]SDSVSLNTDS

ClinVar aggregate classification (germline): Uncertain significance (1 of 4 stars; one submission).

Submission:

Labcorp Genetics (formerly Invitae), Labcorp
Classification: Uncertain significance. Last evaluated: 2025-02-04. Review status: criteria provided, single submitter. Criteria: Invitae Variant Classification Sherloc (09022015). Collection method: clinical testing. Allele origin: germline.
Comment: This sequence change replaces methionine, which is neutral and non-polar, with threonine, which is neutral and polar, at codon 664 of the ERBIN protein (p.Met664Thr). This variant is not present in population databases (gnomAD no frequency). This variant has not been reported in the literature in individuals affected with ERBIN-related conditions. An algorithm developed to predict the effect of missense changes on protein structure and function (PolyPhen-2) suggests that this variant is likely to be disruptive. In summary, the available evidence is currently insufficient to determine the role of this variant in disease. Therefore, it has been classified as a Variant of Uncertain Significance.